The following is an entry in ClinVar:

NM_032043.3(BRIP1):c.2876C>T (p.Pro959Leu)

Gene: BRIP1 (BRCA1 interacting DNA helicase 1; minus strand). Cytogenetic location: 17q23.2.
Variant type: single nucleotide variant.
Coding change: c.2876C>T on transcript NM_032043.3 (MANE Select); coding-DNA position 2876, C replaced by T.
Protein change: p.Pro959Leu; replaces proline 959 with leucine.
Molecular consequence: missense variant.
Genome position (GRCh38, 1-based): chr17:61,685,865, G>A on the plus strand (C>T on the coding strand, the complement: BRIP1 is on the minus strand). VCF-style: chr17-61685865-G-A. GRCh37 (hg19) VCF-style: chr17-59763226-G-A.
Other names: short protein forms P959L.
Identifiers: ClinVar variation 923509 (VCV000923509.5), dbSNP rs1567731036, ClinGen allele CA400481217.

ClinVar aggregate classification (germline): Uncertain significance. Review status: criteria provided, multiple submitters, no conflicts (2 of 4 stars). 2 submissions from 2 submitters: Uncertain significance (2). Last evaluated 2025-06-09.

Conditions:
Familial cancer of breast. Also called: hereditary breast carcinoma; BREAST CANCER, FAMILIAL; Hereditary breast cancer. Identifiers: Orphanet 227535, MedGen C0346153, MONDO:0016419, OMIM 114480. Disease mechanism: loss of function.
Fanconi anemia complementation group J. Also called: BRIP1-Related Fanconi Anemia. Identifiers: Orphanet 84, MedGen C1836860, MONDO:0012187, OMIM 609054.
Hereditary cancer-predisposing syndrome. Also called: Hereditary Cancer Syndrome; Hereditary neoplastic syndrome; Neoplastic Syndromes, Hereditary; Tumor predisposition. Identifiers: Orphanet 140162, MedGen C0027672, MeSH D009386, MONDO:0015356.

Submissions (2):

Labcorp Genetics (formerly Invitae), Labcorp
Classification: Uncertain significance for Familial cancer of breast; Fanconi anemia complementation group J. Last evaluated: 2025-06-09. Review status: criteria provided, single submitter. Criteria: Invitae Variant Classification Sherloc (09022015). Collection method: clinical testing. Allele origin: germline.
Comment: This sequence change replaces proline, which is neutral and non-polar, with leucine, which is neutral and non-polar, at codon 959 of the BRIP1 protein (p.Pro959Leu). This variant is not present in population databases (gnomAD no frequency). This variant has not been reported in the literature in individuals affected with BRIP1-related conditions. ClinVar contains an entry for this variant (Variation ID: 923509). Invitae Evidence Modeling of protein sequence and biophysical properties (such as structural, functional, and spatial information, amino acid conservation, physicochemical variation, residue mobility, and thermodynamic stability) indicates that this missense variant is not expected to disrupt BRIP1 protein function with a negative predictive value of 95%. In summary, the available evidence is currently insufficient to determine the role of this variant in disease. Therefore, it has been classified as a Variant of Uncertain Significance.

Color Diagnostics, LLC DBA Color Health
Classification: Uncertain significance for Hereditary cancer-predisposing syndrome. Last evaluated: 2024-03-06. Review status: criteria provided, single submitter. Criteria: ACMG Guidelines, 2015. Collection method: clinical testing. Allele origin: germline.
Comment: This missense variant replaces proline with leucine at codon 959 of the BRIP1 protein. Computational prediction tool suggests that this variant may not impact protein structure and function (internally defined REVEL score threshold <=0.5, PMID: 27666373). Splice site prediction tools suggest that this variant may not impact RNA splicing. To our knowledge, functional studies have not been performed for this variant. This variant has not been reported in individuals affected with hereditary cancer in the literature. This variant has not been identified in the general population by the Genome Aggregation Database (gnomAD). The available evidence is insufficient to determine the role of this variant in disease conclusively. Therefore, this variant is classified as a Variant of Uncertain Significance.